The following is an entry in ClinVar:

ClinVar aggregate classification (germline): Uncertain significance (1 of 4 stars; one submission).

Conditions:
Cardiovascular phenotype. Identifiers: MedGen CN230736.

Allele frequency attached by ClinVar (database versions not stated): gnomAD exomes below 0.00001; gnomAD 0.00001; TOPMed 0.00002; ESP Exome Variant Server 0.00008.
gnomAD v4.1: 3 of 1,613,230 alleles (0.00019%); highest among the groups gnomAD compares: African/African-American, 0.0027%; no homozygotes.

Submission:

Ambry Genetics
Classification: Uncertain significance for Cardiovascular phenotype. Last evaluated: 2020-01-10. Review status: criteria provided, single submitter. Criteria: Ambry Variant Classification Scheme 2023. Collection method: clinical testing. Allele origin: germline.
Comment: The p.I10333V variant (also known as c.30997A>G), located in coding exon 124 of the TTN gene, results from an A to G substitution at nucleotide position 30997. The isoleucine at codon 10333 is replaced by valine, an amino acid with highly similar properties. This amino acid position is poorly conserved in available vertebrate species. In addition, this alteration is predicted to be tolerated by in silico analysis. Since supporting evidence is limited at this time, the clinical significance of this alteration remains unclear.

NM_001267550.2(TTN):c.58192A>G (p.Ile19398Val)

Genes: TTN (titin; minus strand), TTN-AS1 (TTN antisense RNA 1; plus strand). Cytogenetic location: 2q31.2.
Variant type: single nucleotide variant.
Coding change: c.58192A>G on transcript NM_001267550.2 (MANE Select); coding-DNA position 58192, A replaced by G.
Protein change: p.Ile19398Val; replaces isoleucine 19398 with valine.
Molecular consequence: missense variant.
Genome position (GRCh38, 1-based): chr2:178,594,201, T>C on the plus strand (A>G on the coding strand, the complement: TTN is on the minus strand). VCF-style: chr2-178594201-T-C. GRCh37 (hg19) VCF-style: chr2-179458928-T-C.
Other names: c.53269A>G, p.Ile17757Val (NM_001256850.1); c.30997A>G, p.Ile10333Val (NM_003319.4); c.50488A>G, p.Ile16830Val (NM_133378.4); c.31372A>G, p.Ile10458Val (NM_133432.3); c.31573A>G, p.Ile10525Val (NM_133437.4); short protein forms I10333V, I10458V, I10525V, I19398V, I16830V, I17757V.
Identifiers: ClinVar variation 1727535 (VCV001727535.2), dbSNP rs375724247, ClinGen allele CA60971872.
Genomic context (GRCh38, chr2:178,594,201, plus strand): 5'-CCTTAGGCTTTGGTTTGCCTGAGTAACGGCCAGTGAGGGCAAAAGCTTCACCAACTCGAA[T>C]CGTGAGCTTATCTCTGAAGTCGAGGTGAAGCGTTGGGGGTGCTAAAATTTGTAATTATAA-3'
Protein context (NP_001254479.2, residues 19388-19408): LHLDFRDKLT[Ile19398Val]RVGEAFALTG